The following is an entry in ClinVar:

ClinVar aggregate classification (germline): Likely benign (0 of 4 stars; one submission).

Conditions:
SEMA3F-related disorder. Also called: SEMA3F-related condition.

Allele frequency attached by ClinVar (database versions not stated): ExAC 0.00002.

Submission:

PreventionGenetics, part of Exact Sciences
Classification: Likely benign for SEMA3F-related condition. Last evaluated: 2021-07-16. Review status: no assertion criteria provided. Collection method: clinical testing. Allele origin: germline.
Comment: This variant is classified as likely benign based on ACMG/AMP sequence variant interpretation guidelines (Richards et al. 2015 PMID: 25741868, with internal and published modifications).

NM_004186.5(SEMA3F):c.495C>T (p.Arg165=)

Gene: SEMA3F (semaphorin 3F; plus strand). Cytogenetic location: 3p21.31.
Variant type: single nucleotide variant.
Coding change: c.495C>T on transcript NM_004186.5 (MANE Select); coding-DNA position 495, C replaced by T.
Protein change: p.Arg165=; no amino-acid change (arginine 165 retained).
Molecular consequence: synonymous variant. On other transcripts: intron variant (2).
Genome position (GRCh38, 1-based): chr3:50,175,134, C>T. VCF-style: chr3-50175134-C-T. GRCh37 (hg19) VCF-style: chr3-50212567-C-T.
Other names: c.252+784C>T (NM_001318798.2); c.456+784C>T (NM_001318800.2).
Identifiers: ClinVar variation 3048140 (VCV003048140.2), dbSNP rs563313079, ClinGen allele CA2411794.
Genomic context (GRCh38, chr3:50,175,134, plus strand): 5'-CCCCTGTTCCTCGTCTTCTCAGGCCACACCATGGACCCAGACTCAGGCGGTCAGAGGCCG[C>T]GGCAGCAGAGCCACGGATGGTGCCCTCCGCCCGATGCCCACAGCCCCACGCCAGGTGGGC-3'
Protein context (NP_004177.3, residues 155-175): PWTQTQAVRG[Arg165=]GSRATDGALR